The following is an entry in ClinVar:

ClinVar aggregate classification (germline): Uncertain significance (1 of 4 stars; one submission).

Conditions:
P3H1-related disorder. Also called: P3H1-related condition.

Submission:

PreventionGenetics, part of Exact Sciences
Classification: Uncertain significance for P3H1-related condition. Last evaluated: 2024-12-06. Review status: criteria provided, single submitter. Criteria: ACMG Guidelines, 2015. Collection method: clinical testing. Allele origin: germline.
Comment: The P3H1 c.1081-2dupA variant is predicted to result in an intronic duplication. To our knowledge, this variant has not been reported in the literature. This variant is reported in 0.020% of alleles in individuals of African descent in gnomAD. Although we suspect that this variant may be pathogenic, at this time, the clinical significance of this variant is uncertain due to the absence of conclusive functional and genetic evidence.

NM_022356.4(P3H1):c.1081-2dup

Gene: P3H1 (prolyl 3-hydroxylase 1; minus strand). Cytogenetic location: 1p34.2.
Variant type: Duplication.
Coding change: c.1081-2dup on transcript NM_022356.4 (MANE Select); the canonical splice acceptor site of the intron before coding-DNA position 1081, one base duplicated (A; older notation c.1081-2dupA).
Molecular consequence: splice acceptor variant.
Genome position (GRCh38, 1-based): chr1:42,755,639, T duplicated on the plus strand (A on the coding strand, the reverse complement: P3H1 is on the minus strand). VCF-style (leftmost placement, unchanged base first): chr1-42755638-C-CT. GRCh37 (hg19) VCF-style: chr1-43221309-C-CT.
Other names: c.1081-2dup (NM_001146289.2, NM_001243246.2).
Identifiers: ClinVar variation 4990354 (VCV004990354.1).